The following is an entry in ClinVar:

ClinVar aggregate classification (germline): Likely benign (1 of 4 stars; one submission).

Conditions:
Hereditary cancer-predisposing syndrome. Also called: Tumor predisposition; Hereditary Cancer Syndrome; Hereditary neoplastic syndrome; Neoplastic Syndromes, Hereditary. Identifiers: Orphanet 140162, MedGen C0027672, MeSH D009386, MONDO:0015356.

Allele frequency attached by ClinVar (database versions not stated): gnomAD exomes below 0.00001; ExAC 0.00001.
gnomAD v4.1: 1 of 1,601,162 alleles (0.000062%); highest among the groups gnomAD compares: Non-Finnish European, 0.000086%; no homozygotes.

Submissions (2):

Color Diagnostics, LLC DBA Color Health
Classification: Likely benign for Hereditary cancer-predisposing syndrome. Last evaluated: 2022-02-28. Review status: criteria provided, single submitter. Criteria: ACMG Guidelines, 2015. Collection method: clinical testing. Allele origin: germline.

Brotman Baty Institute, University of Washington
No classification provided (evidence only). Condition: Breast-ovarian cancer, familial 1. Review status: no classification provided. Collection method: in vitro. Allele origin: not applicable. Functional consequence: functionally_normal. Not counted in ClinVar's aggregate classification.
ClinVar note: "not provided" was previously submitted as the classification for the variant. However, the classification appeared to be based only on an observation of functional data so it was converted to no classification on 2025-07-30.

NM_007294.4(BRCA1):c.-12G>C

Gene: BRCA1 (BRCA1 DNA repair associated; minus strand). Cytogenetic location: 17q21.31.
Variant type: single nucleotide variant.
Coding change: c.-12G>C on transcript NM_007294.4 (MANE Select); 12 bases upstream of the start codon, G replaced by C.
Molecular consequence: 5 prime UTR variant. On other transcripts: non-coding transcript variant (1).
Genome position (GRCh38, 1-based): chr17:43,124,108, C>G on the plus strand (G>C on the coding strand, the complement: BRCA1 is on the minus strand). VCF-style: chr17-43124108-C-G. GRCh37 (hg19) VCF-style: chr17-41276125-C-G.
Other names: c.-200G>C (NM_001407571.1, NM_001407853.1, NM_001407879.1 and 42 more transcripts); c.-12G>C (NM_001407581.1, NM_001407582.1, NM_001407583.1 and 169 more transcripts); c.-269G>C (NM_001407694.1, NM_001407724.1, NM_001407727.1 and 11 more transcripts); c.-273G>C (NM_001407695.1, NM_001408465.1); c.-414G>C (NM_001407696.1); c.-298G>C (NM_001407697.1, NM_001407846.1, NM_001407920.1); c.-99G>C (NM_001407698.1, NM_001407732.1, NM_001407736.1 and 21 more transcripts); c.-272G>C (NM_001407725.1, NM_001407730.1, NM_001407734.1 and 22 more transcripts); and 8 more.
Identifiers: ClinVar variation 864961 (VCV000864961.5), dbSNP rs772037778, ClinGen allele CA052838.
Genomic context (GRCh38, chr17:43,124,108, plus strand): 5'-CATTAATGACATTTTGTACTTCTTCAACGCGAAGAGCAGATAAATCCATTTCTTTCTGTT[C>G]CAATGAACTTTAACACATTAGAAAAACATATATATATATCTTTTTAAAAGGTTTATAAAA-3'